The following is an entry in ClinVar:

NM_152594.3(SPRED1):c.276G>A (p.Trp92Ter)

Gene: SPRED1 (sprouty related EVH1 domain containing 1; plus strand). Cytogenetic location: 15q14.
Variant type: single nucleotide variant.
Coding change: c.276G>A on transcript NM_152594.3 (MANE Select); coding-DNA position 276, G replaced by A.
Protein change: p.Trp92Ter; replaces tryptophan 92 with a stop codon.
Molecular consequence: nonsense.
Genome position (GRCh38, 1-based): chr15:38,322,309, G>A. VCF-style: chr15-38322309-G-A. GRCh37 (hg19) VCF-style: chr15-38614510-G-A.
Other names: short protein forms W92*.
Identifiers: ClinVar variation 4538360 (VCV004538360.1).
Genomic context (GRCh38, chr15:38,322,309, plus strand): 5'-GGAATGTATGCTTAAAAAAGACCTCATTTATAATAAGGTCACTCCAACATTTCACCACTG[G>A]AAGATTGATGACAAGAAGTTTGGTCTTACGTTTCAAAGTCCTGCTGATGCTAGGGCTTTT-3'

ClinVar aggregate classification (germline): Likely pathogenic (1 of 4 stars; one submission).

Conditions:
Legius syndrome. Identifiers: Orphanet 137605, MedGen C1969623, MONDO:0012669, OMIM 611431. Disease mechanism: loss of function.

Submission:

Greenwood Genetic Center Diagnostic Laboratories, Greenwood Genetic Center
Classification: Likely pathogenic for Legius syndrome. Last evaluated: 2025-04-02. Review status: criteria provided, single submitter. Criteria: ACMG Guidelines, 2015. Collection method: clinical testing. Allele origin: germline. Affected: yes.
Comment: PVS1, PM2